The following is an entry in ClinVar:

NM_016180.5(SLC45A2):c.1575_1578del (p.Phe525fs)

Gene: SLC45A2 (solute carrier family 45 member 2; minus strand). Cytogenetic location: 5p13.2.
Variant type: Deletion.
Coding change: c.1575_1578del on transcript NM_016180.5 (MANE Select); coding-DNA positions 1575 to 1578, 4 bases deleted (TGTT; older notation c.1575_1578delTGTT).
Protein change: p.Phe525fs; shifts the reading frame from phenylalanine 525.
Molecular consequence: frameshift variant.
Genome position (GRCh38, 1-based): chr5:33,944,663-33,944,666, AACA deleted on the plus strand (TGTT on the coding strand, the reverse complement: SLC45A2 is on the minus strand); deleting any 4 consecutive bases within chr5:33,944,663-33,944,668 gives the same sequence; the c. name uses the placement nearest the transcript's 3' end. VCF-style (leftmost placement, unchanged base first): chr5-33944662-TAACA-T. GRCh37 (hg19) VCF-style: chr5-33944767-TAACA-T.
Other names: short protein forms F525fs.
Identifiers: ClinVar variation 2871678 (VCV002871678.3), dbSNP rs928584298, ClinGen allele CA116871654.

ClinVar aggregate classification (germline): Likely pathogenic (1 of 4 stars; one submission).

Submission:

Labcorp Genetics (formerly Invitae), Labcorp
Classification: Likely pathogenic. Last evaluated: 2024-02-05. Review status: criteria provided, single submitter. Criteria: Invitae Variant Classification Sherloc (09022015). Collection method: clinical testing. Allele origin: germline.
Comment: This sequence change results in a frameshift in the SLC45A2 gene (p.Phe525Leufs*12). While this is not anticipated to result in nonsense mediated decay, it is expected to disrupt the last 6 amino acid(s) of the SLC45A2 protein and extend the protein by 5 additional amino acid residues. This variant is present in population databases (no rsID available, gnomAD 0.007%). This frameshift has been observed in individual(s) with oculocutaneous albinism (Invitae). In at least one individual the data is consistent with being in trans (on the opposite chromosome) from a pathogenic variant. Experimental studies and prediction algorithms are not available or were not evaluated, and the functional significance of this variant is currently unknown. In summary, the currently available evidence indicates that the variant is pathogenic, but additional data are needed to prove that conclusively. Therefore, this variant has been classified as Likely Pathogenic.